The following is an entry in ClinVar:

ClinVar aggregate classification (germline): Uncertain significance. Review status: criteria provided, multiple submitters, no conflicts (2 of 4 stars). 2 submissions from 2 submitters: Uncertain significance (2). Last evaluated 2025-07-29.

Conditions:
Cystic fibrosis (CF). Also called: MUCOVISCIDOSIS. Identifiers: Orphanet 586, MedGen C0010674, MONDO:0009061, OMIM 219700. Disease mechanism: loss of function.

Submissions (2):

Labcorp Genetics (formerly Invitae), Labcorp
Classification: Uncertain significance for Cystic fibrosis. Last evaluated: 2025-07-29. Review status: criteria provided, single submitter. Criteria: Invitae Variant Classification Sherloc (09022015). Collection method: clinical testing. Allele origin: germline.
Comment: This variant, c.1613_1615del, results in the deletion of 1 amino acid(s) of the CFTR protein (p.Asn538del), but otherwise preserves the integrity of the reading frame. This variant is not present in population databases (gnomAD no frequency). This variant has not been reported in the literature in individuals affected with CFTR-related conditions. ClinVar contains an entry for this variant (Variation ID: 439058). Experimental studies and prediction algorithms are not available or were not evaluated, and the functional significance of this variant is currently unknown. In summary, the available evidence is currently insufficient to determine the role of this variant in disease. Therefore, it has been classified as a Variant of Uncertain Significance.

Quest Diagnostics Nichols Institute San Juan Capistrano
Classification: Uncertain significance. Last evaluated: 2025-02-11. Review status: criteria provided, single submitter. Criteria: Quest Diagnostics criteria. Collection method: clinical testing. Allele origin: unknown.
Comment: The CFTR c.1613_1615del (p.Asn538del) variant has not been reported in individuals with CFTR-related conditions in the published literature. It also has not been reported in large, multi-ethnic general populations (Genome Aggregation Database). Based on the available information, we are unable to determine the clinical significance of this variant.

NM_000492.4(CFTR):c.1613_1615del (p.Asn538del)

Genes: CFTR (CF transmembrane conductance regulator; plus strand), LOC111674475 (CFTR intron 11 enhancer; plus strand). Cytogenetic location: 7q31.2.
Variant type: Deletion.
Coding change: c.1613_1615del on transcript NM_000492.4 (MANE Select); coding-DNA positions 1613 to 1615, 3 bases deleted (ATA; older notation c.1613_1615delATA).
Protein change: p.Asn538del; deletes asparagine 538.
Molecular consequence: inframe deletion.
Genome position (GRCh38, 1-based): chr7:117,587,767-117,587,769, ATA deleted; deleting any 3 consecutive bases within chr7:117,587,766-117,587,769 gives the same sequence; the c. name uses the placement nearest the transcript's 3' end. VCF-style (leftmost placement, unchanged base first): chr7-117587765-CAAT-C. GRCh37 (hg19) VCF-style: chr7-117227819-CAAT-C.
Other names: c.1613_1615del (NM_000492.3); short protein forms N538del.
Identifiers: ClinVar variation 439058 (VCV000439058.4), dbSNP rs1554388571, ClinGen allele CA645509176.
Genomic context (GRCh38, chr7:117,587,765, plus strand): 5'-AAGTGACTCTCTAATTTTCTATTTTTGGTAATAGGACATCTCCAAGTTTGCAGAGAAAGA[CAAT>C]ATAGTTCTTGGAGAAGGTGGAATCACACTGAGTGGAGGTCAACGAGCAAGAATTTCTTTA-3'